The following is an entry in ClinVar:

NM_015100.4(POGZ):c.3120ACA[1] (p.Gln1042del)

Gene: POGZ (pogo transposable element derived with ZNF domain; minus strand). Cytogenetic location: 1q21.3.
Variant type: Microsatellite.
Coding change: c.3120ACA[1] on transcript NM_015100.4 (MANE Select); one copy of the 3-base unit ACA starting at c.3120; the reference has two copies in a row; one copy, 3 bases deleted; also written c.3123_3125del.
Protein change: p.Gln1042del; deletes glutamine 1042.
Molecular consequence: inframe deletion.
Genome position (GRCh38, 1-based): chr1:151,405,910-151,405,912, TGT deleted on the plus strand (ACA on the coding strand, the reverse complement: POGZ is on the minus strand); deleting any 3 consecutive bases within chr1:151,405,910-151,405,916 gives the same sequence; the position shown is the placement nearest the transcript's 3' end. VCF-style (leftmost placement, unchanged base first): chr1-151405909-CTGT-C. GRCh37 (hg19) VCF-style: chr1-151378385-CTGT-C.
Other names: c.3123_3125del (NM_015100.4); c.3093ACA[1], p.Gln1033del (NM_001194937.2); c.2934ACA[1], p.Gln980del (NM_001194938.2); c.3141ACA[1], p.Gln1049del (NM_001410860.1); c.2835ACA[1], p.Gln947del (NM_145796.4); c.2961ACA[1], p.Gln989del (NM_207171.2); short protein forms Q1033del, Q1042del, Q1049del, Q947del, Q980del, Q989del.
Identifiers: ClinVar variation 3366949 (VCV003366949.1).
Genomic context (GRCh38, chr1:151,405,909, plus strand): 5'-TTCCAAAGAACGTCCTATTTTGGTGGCCTTCTGGAACAAGGTCTCCTCATTTACAGGTAG[CTGT>C]TGTTCGCGCTGGGTTAGCACCCACTCAGCCAGTTTCTCTTCTGCCTCAAAGCTCAGATAT-3'

ClinVar aggregate classification (germline): Uncertain significance (1 of 4 stars; one submission).

Conditions:
Intellectual disability-microcephaly-strabismus-behavioral abnormalities syndrome. Also called: White-Sutton Syndrome. Identifiers: Orphanet 468678, MedGen C4225351, MONDO:0014606, OMIM 616364.

Submission:

Institute of Immunology and Genetics Kaiserslautern
Classification: Uncertain significance for Intellectual disability-microcephaly-strabismus-behavioral abnormalities syndrome. Last evaluated: 2024-09-03. Review status: criteria provided, single submitter. Criteria: ACMG Guidelines, 2015. Collection method: clinical testing. Allele origin: germline. Affected: yes.
Comment: ACMG Criteria: PM4, PM2_P; Variant was found in heterozygous state